The following is an entry in ClinVar:

ClinVar aggregate classification (germline): Uncertain significance (1 of 4 stars; one submission).

Conditions:
Mucopolysaccharidosis, MPS-IV-A (MPS4A). Also called: Mucopolysaccharidosis type IV A; Mucopolysaccharidosis Type IVA; Morquio syndrome A, mild; MORQUIO SYNDROME A; MPS IVA; mucopolysaccharidosis type 4A. Identifiers: Orphanet 309297, Orphanet 582, MedGen C0086651, MONDO:0009659, OMIM 253000.

Allele frequency attached by ClinVar (database versions not stated): gnomAD exomes below 0.00001.

Submission:

Laboratory of Diagnosis and Therapy of Lysosomal Disorders, University of Padova
Classification: Uncertain significance for Mucopolysaccharidosis, MPS-IV-A. Last evaluated: 2021-02-01. Review status: criteria provided, single submitter. Criteria: ACMG Guidelines, 2015. Collection method: curation. Allele origin: germline. Affected: yes.
Comment: Absent from gnomAD v2.1.1 (PM2_moderate)

Literature cited by the submitters: PubMed 30138938; PubMed 34387910.

NM_000512.5(GALNS):c.1334G>A (p.Gly445Glu)

Gene: GALNS (galactosamine (N-acetyl)-6-sulfatase; minus strand). Cytogenetic location: 16q24.3.
Variant type: single nucleotide variant.
Coding change: c.1334G>A on transcript NM_000512.5 (MANE Select); coding-DNA position 1334, G replaced by A.
Protein change: p.Gly445Glu; replaces glycine 445 with glutamic acid.
Molecular consequence: missense variant.
Genome position (GRCh38, 1-based): chr16:88,822,619, C>T on the plus strand (G>A on the coding strand, the complement: GALNS is on the minus strand). VCF-style: chr16-88822619-C-T. GRCh37 (hg19) VCF-style: chr16-88889027-C-T.
Other names: c.779G>A, p.Gly260Glu (NM_001323543.2); c.1352G>A, p.Gly451Glu (NM_001323544.2); short protein forms G260E, G445E, G451E.
Identifiers: ClinVar variation 1048503 (VCV001048503.3), dbSNP rs2142992321, ClinGen allele CA397096042.